The following is an entry in ClinVar:

NM_152564.5(VPS13B):c.2948C>A (p.Ala983Asp)

Gene: VPS13B (vacuolar protein sorting 13 homolog B; plus strand). Cytogenetic location: 8q22.2.
Variant type: single nucleotide variant.
Coding change: c.2948C>A on transcript NM_152564.5 (MANE Select); coding-DNA position 2948, C replaced by A.
Protein change: p.Ala983Asp; replaces alanine 983 with aspartic acid.
Molecular consequence: missense variant.
Genome position (GRCh38, 1-based): chr8:99,391,570, C>A. VCF-style: chr8-99391570-C-A. GRCh37 (hg19) VCF-style: chr8-100403798-C-A.
Other names: c.2948C>A, p.Ala983Asp (NM_017890.5); short protein forms A983D.
Identifiers: ClinVar variation 1926147 (VCV001926147.2), dbSNP rs2489874989, ClinGen allele CA371865594.
Genomic context (GRCh38, chr8:99,391,570, plus strand): 5'-AGTGAAAAACTAAAAACTAAAAAGGTTTTCATTTTGTCTCTTTCCAGCAGCCTGTGGTAG[C>A]TGTTCCTCTTGTTATGCCAGTTTGTAGAAGGAAAGAGGATGAGGTGTCTATTGGAAGTGC-3'
Protein context (NP_689777.3, residues 973-993): SRHMQQQPVV[Ala983Asp]VPLVMPVCRR

ClinVar aggregate classification (germline): Uncertain significance (1 of 4 stars; one submission).

Conditions:
Cohen syndrome (COH1). Also called: Cutis verticis gyrata, retinitis pigmentosa, and sensorineural deafness; PEPPER SYNDROME. Identifiers: Orphanet 193, MedGen C0265223, MONDO:0008999, OMIM 216550.

Submission:

Labcorp Genetics (formerly Invitae), Labcorp
Classification: Uncertain significance for Cohen syndrome. Last evaluated: 2022-07-03. Review status: criteria provided, single submitter. Criteria: Invitae Variant Classification Sherloc (09022015). Collection method: clinical testing. Allele origin: germline.
Comment: This sequence change replaces alanine, which is neutral and non-polar, with aspartic acid, which is acidic and polar, at codon 983 of the VPS13B protein (p.Ala983Asp). This variant is not present in population databases (gnomAD no frequency). This variant has not been reported in the literature in individuals affected with VPS13B-related conditions. Algorithms developed to predict the effect of missense changes on protein structure and function are either unavailable or do not agree on the potential impact of this missense change (SIFT: "Not Available"; PolyPhen-2: "Benign"; Align-GVGD: "Not Available"). In summary, the available evidence is currently insufficient to determine the role of this variant in disease. Therefore, it has been classified as a Variant of Uncertain Significance.